The following is an entry in ClinVar:

NM_000824.5(GLRB):c.1385C>T (p.Ala462Val)

Gene: GLRB (glycine receptor beta; plus strand). Cytogenetic location: 4q32.1.
Variant type: single nucleotide variant.
Coding change: c.1385C>T on transcript NM_000824.5 (MANE Select); coding-DNA position 1385, C replaced by T.
Protein change: p.Ala462Val; replaces alanine 462 with valine.
Molecular consequence: missense variant. On other transcripts: 3 prime UTR variant (1).
Genome position (GRCh38, 1-based): chr4:157,170,619, C>T. VCF-style: chr4-157170619-C-T. GRCh37 (hg19) VCF-style: chr4-158091771-C-T.
Other names: c.1385C>T, p.Ala462Val (NM_001166060.2); c.*180C>T (NM_001166061.2); short protein forms A462V.
Identifiers: ClinVar variation 347929 (VCV000347929.17), dbSNP rs148031091, ClinGen allele CA3120010.
Genomic context (GRCh38, chr4:157,170,619, plus strand): 5'-TTGAAGTTAACAACGGACTTGGGAAATCTCAGGCTAAGAACAACAAGAAGCCTCCCCCTG[C>T]GAAACCTGTTATTCCAACAGCAGCAAAGCGAATTGATCTTTATGCAAGAGCATTGTTTCC-3'
Protein context (NP_000815.1, residues 452-472): QAKNNKKPPP[Ala462Val]KPVIPTAAKR

ClinVar aggregate classification (germline): Benign/Likely benign. Review status: criteria provided, multiple submitters, no conflicts (2 of 4 stars). 4 submissions from 4 submitters: Benign (1); Likely benign (2). 1 of the submissions does not count toward it. Last evaluated 2026-01-15.

Conditions:
Hyperekplexia 2 (HKPX2). Identifiers: Orphanet 3197, MedGen C3553291, MONDO:0013828, OMIM 614619.
GLRB-related disorder. Also called: GLRB-related condition.

Allele frequency attached by ClinVar (database versions not stated): 1000 Genomes Project 30x 0.00078; 1000 Genomes Project 0.00080.
gnomAD v4.1: 939 of 1,612,534 alleles (0.058%); highest among the groups gnomAD compares: South Asian, 0.95%; 11 homozygotes.

Submissions (4):

Labcorp Genetics (formerly Invitae), Labcorp
Classification: Likely benign for Hyperekplexia 2. Last evaluated: 2026-01-15. Review status: criteria provided, single submitter. Criteria: Invitae Variant Classification Sherloc (09022015). Collection method: clinical testing. Allele origin: germline.

Blueprint Genetics
Classification: Likely benign. Last evaluated: 2024-11-26. Review status: criteria provided, single submitter. Criteria: ACMG Guidelines, 2015. Collection method: clinical testing. Allele origin: germline.

Illumina Laboratory Services, Illumina
Classification: Benign for Hyperekplexia 2. Last evaluated: 2018-01-13. Review status: criteria provided, single submitter. Criteria: ICSL Variant Classification Criteria 13 December 2019. Collection method: clinical testing. Allele origin: germline.
Comment: This variant was observed in the ICSL laboratory as part of a predisposition screen in an ostensibly healthy population. It had not been previously curated by ICSL or reported in the Human Gene Mutation Database (HGMD: prior to June 1st, 2018), and was therefore a candidate for classification through an automated scoring system. Utilizing variant allele frequency, disease prevalence and penetrance estimates, and inheritance mode, an automated score was calculated to assess if this variant is too frequent to cause the disease. Based on the score and internal cut-off values, a variant classified as benign is not then subjected to further curation. The score for this variant resulted in a classification of benign for this disease.

PreventionGenetics, part of Exact Sciences
Classification: Benign for GLRB-related condition. Last evaluated: 2019-05-24. Review status: no assertion criteria provided. Collection method: clinical testing. Allele origin: germline. Not counted in ClinVar's aggregate classification.
Comment: This variant is classified as benign based on ACMG/AMP sequence variant interpretation guidelines (Richards et al. 2015 PMID: 25741868, with internal and published modifications).